The following is an entry in ClinVar:

ClinVar aggregate classification (germline): Likely benign. Review status: criteria provided, multiple submitters, no conflicts (2 of 4 stars). 2 submissions from 2 submitters: Likely benign (2). Last evaluated 2025-12-14.

Conditions:
Developmental and epileptic encephalopathy, 25 (DEE25). Also called: Developmental and epileptic encephalopathy 25, with amelogenesis imperfecta; Epileptic encephalopathy, early infantile, 25, with amelogenesis imperfecta; Epileptic encephalopathy, early infantile, 25. Identifiers: Orphanet 442835, MedGen C4014621, MONDO:0014392, OMIM 615905.

Allele frequency attached by ClinVar (database versions not stated): ExAC 0.00002; gnomAD exomes 0.00002; TOPMed 0.00002; gnomAD 0.00003.
gnomAD v4.1: 29 of 1,614,094 alleles (0.0018%); highest among the groups gnomAD compares: African/African-American, 0.0067%; no homozygotes.

Submissions (2):

Labcorp Genetics (formerly Invitae), Labcorp
Classification: Likely benign for Developmental and epileptic encephalopathy, 25. Last evaluated: 2025-12-14. Review status: criteria provided, single submitter. Criteria: Invitae Variant Classification Sherloc (09022015). Collection method: clinical testing. Allele origin: germline.

GeneDx
Classification: Likely benign. Last evaluated: 2017-02-28. Review status: criteria provided, single submitter. Criteria: GeneDx Variant Classification (06012015). Collection method: clinical testing. Allele origin: germline. Affected: yes.
Comment: This variant is considered likely benign or benign based on one or more of the following criteria: it is a conservative change, it occurs at a poorly conserved position in the protein, it is predicted to be benign by multiple in silico algorithms, and/or has population frequency not consistent with disease.

NM_177550.5(SLC13A5):c.654C>T (p.Ile218=)

Gene: SLC13A5 (solute carrier family 13 member 5; minus strand). Cytogenetic location: 17p13.1.
Variant type: single nucleotide variant.
Coding change: c.654C>T on transcript NM_177550.5 (MANE Select); coding-DNA position 654, C replaced by T.
Protein change: p.Ile218=; no amino-acid change (isoleucine 218 retained).
Molecular consequence: synonymous variant.
Genome position (GRCh38, 1-based): chr17:6,703,032, G>A on the plus strand (C>T on the coding strand, the complement: SLC13A5 is on the minus strand). VCF-style: chr17-6703032-G-A. GRCh37 (hg19) VCF-style: chr17-6606351-G-A.
Other names: c.654C>T, p.Ile218= (NM_001143838.3); c.603C>T, p.Ile201= (NM_001284509.2); c.525C>T, p.Ile175= (NM_001284510.2).
Identifiers: ClinVar variation 507798 (VCV000507798.10), dbSNP rs547998800, ClinGen allele CA8331658.